The following is an entry in ClinVar:

NM_006618.5(KDM5B):c.2664G>A (p.Ala888=)

Gene: KDM5B (lysine demethylase 5B; minus strand). Cytogenetic location: 1q32.1.
Variant type: single nucleotide variant.
Coding change: c.2664G>A on transcript NM_006618.5 (MANE Select); coding-DNA position 2664, G replaced by A.
Protein change: p.Ala888=; no amino-acid change (alanine 888 retained).
Molecular consequence: synonymous variant.
Genome position (GRCh38, 1-based): chr1:202,741,648, C>T on the plus strand (G>A on the coding strand, the complement: KDM5B is on the minus strand). VCF-style: chr1-202741648-C-T. GRCh37 (hg19) VCF-style: chr1-202710776-C-T.
Other names: c.2772G>A, p.Ala924= (NM_001314042.2); c.2529G>A, p.Ala843= (NM_001347591.2); c.2649G>A, p.Ala883= (NM_001399817.1).
Identifiers: ClinVar variation 715854 (VCV000715854.7), dbSNP rs111464225, ClinGen allele CA1334363.
Genomic context (GRCh38, chr1:202,741,648, plus strand): 5'-AGCAAGCTGTGGAAGTTCAACATCAAATTCAAAGCTGACATCTAGCAAGTCCTGCAGCTC[C>T]GCAGCACTAGGCGTTTCCTCAGAGAGTAGTTTCTGACTATGCTGTTGAAAATCTTCTACA-3'
Protein context (NP_006609.3, residues 878-898): KLLSEETPSA[Ala888=]ELQDLLDVSF

ClinVar aggregate classification (germline): Benign. Review status: criteria provided, single submitter (1 of 4 stars). 2 submissions from 2 submitters: Benign (1). 1 of the submissions does not count toward it. Last evaluated 2019-12-31.

Conditions:
KDM5B-related disorder. Also called: KDM5B-related condition.

Allele frequency attached by ClinVar (database versions not stated): gnomAD exomes 0.00071 and 0.00174; ExAC 0.00226; gnomAD 0.00726 and 0.00772; 1000 Genomes Project 0.00759; TOPMed 0.00767; ESP Exome Variant Server 0.00769; 1000 Genomes Project 30x 0.00874.
gnomAD v4.1: 2,200 of 1,614,022 alleles (0.14%); highest among the groups gnomAD compares: African/African-American, 2.6%; 23 homozygotes.

Submissions (2):

Labcorp Genetics (formerly Invitae), Labcorp
Classification: Benign. Last evaluated: 2019-12-31. Review status: criteria provided, single submitter. Criteria: Invitae Variant Classification Sherloc (09022015). Collection method: clinical testing. Allele origin: germline.

PreventionGenetics, part of Exact Sciences
Classification: Benign for KDM5B-related condition. Last evaluated: 2023-03-13. Review status: no assertion criteria provided. Collection method: clinical testing. Allele origin: germline. Not counted in ClinVar's aggregate classification.
Comment: This variant is classified as benign based on ACMG/AMP sequence variant interpretation guidelines (Richards et al. 2015 PMID: 25741868, with internal and published modifications).